The following is an entry in ClinVar:

ClinVar aggregate classification (germline): Uncertain significance (1 of 4 stars; one submission).

Conditions:
Hereditary cancer-predisposing syndrome. Also called: Neoplastic Syndromes, Hereditary; Tumor predisposition; Hereditary neoplastic syndrome; Hereditary Cancer Syndrome. Identifiers: Orphanet 140162, MedGen C0027672, MeSH D009386, MONDO:0015356.

Submission:

Ambry Genetics
Classification: Uncertain significance for Hereditary cancer-predisposing syndrome. Last evaluated: 2023-12-04. Review status: criteria provided, single submitter. Criteria: Ambry Variant Classification Scheme 2023. Collection method: clinical testing. Allele origin: germline.
Comment: The p.T171I variant (also known as c.512C>T), located in coding exon 1 of the GREM1 gene, results from a C to T substitution at nucleotide position 512. The threonine at codon 171 is replaced by isoleucine, an amino acid with similar properties. This amino acid position is conserved. In addition, this alteration is predicted to be tolerated by in silico analysis. Since supporting evidence is limited at this time, the clinical significance of this alteration remains unclear.

NM_013372.7(GREM1):c.512C>T (p.Thr171Ile)

Gene: GREM1 (gremlin 1, DAN family BMP antagonist; plus strand). Cytogenetic location: 15q13.3.
Variant type: single nucleotide variant.
Coding change: c.512C>T on transcript NM_013372.7 (MANE Select); coding-DNA position 512, C replaced by T.
Protein change: p.Thr171Ile; replaces threonine 171 with isoleucine.
Molecular consequence: missense variant.
Genome position (GRCh38, 1-based): chr15:32,731,202, C>T. VCF-style: chr15-32731202-C-T. GRCh37 (hg19) VCF-style: chr15-33023403-C-T.
Other names: c.302C>T, p.Thr101Ile (NM_001191322.2); c.389C>T, p.Thr130Ile (NM_001191323.2); c.512C>T, p.Thr171Ile (NM_001368719.1); short protein forms T101I, T130I, T171I.
Identifiers: ClinVar variation 3226273 (VCV003226273.1), dbSNP rs2548708107, ClinGen allele CA391558124.